The following is an entry in ClinVar:

ClinVar aggregate classification (germline): Uncertain significance (1 of 4 stars; one submission).

Conditions:
Multiple congenital anomalies-hypotonia-seizures syndrome 2 (MCAHS2). Also called: EPILEPTIC ENCEPHALOPATHY, EARLY INFANTILE, 20; GLYCOSYLPHOSPHATIDYLINOSITOL BIOSYNTHESIS DEFECT 4. Identifiers: Orphanet 300496, MedGen C3275508, MONDO:0010466, OMIM 300868.

Allele frequency attached by ClinVar (database versions not stated): gnomAD exomes below 0.00001 and 0.00001.

Submission:

Labcorp Genetics (formerly Invitae), Labcorp
Classification: Uncertain significance for Multiple congenital anomalies-hypotonia-seizures syndrome 2. Last evaluated: 2021-08-25. Review status: criteria provided, single submitter. Criteria: Invitae Variant Classification Sherloc (09022015). Collection method: clinical testing. Allele origin: germline.
Comment: In summary, the available evidence is currently insufficient to determine the role of this variant in disease. Therefore, it has been classified as a Variant of Uncertain Significance. Algorithms developed to predict the effect of missense changes on protein structure and function (SIFT, PolyPhen-2, Align-GVGD) all suggest that this variant is likely to be tolerated, but these predictions have not been confirmed by published functional studies and their clinical significance is uncertain. This variant has not been reported in the literature in individuals with PIGA-related disease. This variant is not present in population databases (ExAC no frequency). This sequence change replaces tyrosine with cysteine at codon 254 of the PIGA protein (p.Tyr254Cys). The tyrosine residue is moderately conserved and there is a large physicochemical difference between tyrosine and cysteine.

NM_002641.4(PIGA):c.761A>G (p.Tyr254Cys)

Gene: PIGA (phosphatidylinositol glycan anchor biosynthesis class A; minus strand). Cytogenetic location: Xp22.2.
Variant type: single nucleotide variant.
Coding change: c.761A>G on transcript NM_002641.4 (MANE Select); coding-DNA position 761, A replaced by G.
Protein change: p.Tyr254Cys; replaces tyrosine 254 with cysteine.
Molecular consequence: missense variant. On other transcripts: non-coding transcript variant (2).
Genome position (GRCh38, 1-based): chrX:15,326,001, T>C on the plus strand (A>G on the coding strand, the complement: PIGA is on the minus strand). VCF-style: chrX-15326001-T-C. GRCh37 (hg19) VCF-style: chrX-15344123-T-C.
Other names: c.59A>G, p.Tyr20Cys (NM_020473.3); short protein forms Y254C, Y20C.
Identifiers: ClinVar variation 539322 (VCV000539322.9), dbSNP rs1279450118, ClinGen allele CA412337588.